The following is an entry in ClinVar:

NM_006031.6(PCNT):c.2905G>A (p.Asp969Asn)

Gene: PCNT (pericentrin; plus strand). Cytogenetic location: 21q22.3.
Variant type: single nucleotide variant.
Coding change: c.2905G>A on transcript NM_006031.6 (MANE Select); coding-DNA position 2905, G replaced by A.
Protein change: p.Asp969Asn; replaces aspartic acid 969 with asparagine.
Molecular consequence: missense variant.
Genome position (GRCh38, 1-based): chr21:46,366,879, G>A. VCF-style: chr21-46366879-G-A. GRCh37 (hg19) VCF-style: chr21-47786794-G-A.
Other names: c.2551G>A, p.Asp851Asn (NM_001315529.2); short protein forms D969N, D851N.
Identifiers: ClinVar variation 4989153 (VCV004989153.1).

ClinVar aggregate classification (germline): Uncertain significance (1 of 4 stars; one submission).

Conditions:
PCNT-related disorder. Also called: PCNT-related condition.

Submission:

PreventionGenetics, part of Exact Sciences
Classification: Uncertain significance for PCNT-related condition. Last evaluated: 2026-04-06. Review status: criteria provided, single submitter. Criteria: ACMG Guidelines, 2015. Collection method: clinical testing. Allele origin: germline.
Comment: The PCNT c.2905G>A variant is predicted to result in the amino acid substitution p.Asp969Asn. To our knowledge, this variant has not been reported in the literature or in a large population database (gnomAD), indicating this variant is rare. At this time, the clinical significance of this variant is uncertain due to the absence of conclusive functional and genetic evidence.